The following is an entry in ClinVar:

NM_018127.7(ELAC2):c.1658C>T (p.Thr553Met)

Gene: ELAC2 (elaC ribonuclease Z 2; minus strand). Cytogenetic location: 17p12.
Variant type: single nucleotide variant.
Coding change: c.1658C>T on transcript NM_018127.7 (MANE Select); coding-DNA position 1658, C replaced by T.
Protein change: p.Thr553Met; replaces threonine 553 with methionine.
Molecular consequence: missense variant.
Genome position (GRCh38, 1-based): chr17:12,996,548, G>A on the plus strand (C>T on the coding strand, the complement: ELAC2 is on the minus strand). VCF-style: chr17-12996548-G-A. GRCh37 (hg19) VCF-style: chr17-12899865-G-A.
Other names: c.1538C>T, p.Thr513Met (NM_001165962.2); c.1655C>T, p.Thr552Met (NM_173717.2); short protein forms T513M, T553M, T552M.
Identifiers: ClinVar variation 964598 (VCV000964598.5), dbSNP rs755904309, ClinGen allele CA8401132.

ClinVar aggregate classification (germline): Uncertain significance (1 of 4 stars; one submission).

Conditions:
Combined oxidative phosphorylation defect type 17. Also called: Combined oxidative phosphorylation deficiency 17. Identifiers: Orphanet 369913, MedGen C3809526, MONDO:0014190, OMIM 615440.

Allele frequency attached by ClinVar (database versions not stated): gnomAD 0.00001; gnomAD exomes 0.00001 and below 0.00001; TOPMed below 0.00001; ExAC 0.00001.
gnomAD v4.1: 7 of 1,613,718 alleles (0.00043%); highest among the groups gnomAD compares: East Asian, 0.0045%; no homozygotes.

Submission:

Labcorp Genetics (formerly Invitae), Labcorp
Classification: Uncertain significance for Combined oxidative phosphorylation defect type 17. Last evaluated: 2024-12-06. Review status: criteria provided, single submitter. Criteria: Invitae Variant Classification Sherloc (09022015). Collection method: clinical testing. Allele origin: germline.
Comment: This sequence change replaces threonine, which is neutral and polar, with methionine, which is neutral and non-polar, at codon 553 of the ELAC2 protein (p.Thr553Met). This variant is present in population databases (rs755904309, gnomAD 0.006%). This variant has not been reported in the literature in individuals affected with ELAC2-related conditions. ClinVar contains an entry for this variant (Variation ID: 964598). An algorithm developed to predict the effect of missense changes on protein structure and function (PolyPhen-2) suggests that this variant is likely to be disruptive. In summary, the available evidence is currently insufficient to determine the role of this variant in disease. Therefore, it has been classified as a Variant of Uncertain Significance.